The following is an entry in ClinVar:

ClinVar aggregate classification (germline): Likely pathogenic. Review status: criteria provided, single submitter (1 of 4 stars). 2 submissions from 2 submitters: Likely pathogenic (1). 1 of the submissions does not count toward it. Last evaluated 2023-03-09.

Conditions:
Intellectual developmental disorder with microcephaly and with or without ocular malformations or hypogonadotropic hypogonadism. Also called: Intellectual disability, autosomal dominant 27; Coffin-Siris Syndrome 9. Identifiers: Orphanet 1465, MedGen C4014528, MONDO:0014376, OMIM 615866.

Submissions (2):

SIB Swiss Institute of Bioinformatics
Classification: Likely pathogenic for Intellectual developmental disorder with microcephaly and with or without ocular malformations or hypogonadotropic hypogonadism. Last evaluated: 2023-03-09. Review status: criteria provided, single submitter. Criteria: ACMG Guidelines, 2015. Collection method: curation. Allele origin: unknown.
Comment: This variant is interpreted as likely pathogenic for Intellectual developmental disorder with microcephaly and with or without ocular malformations or hypogonadotropic hypogonadism, autosomal dominant. The following ACMG Tag(s) were applied: Absent from controls (or at extremely low frequency if recessive) in Exome Sequencing Project, 1000 Genomes Project, or Exome Aggregation Consortium (PM2); De novo paternity and maternity not confirmed (PM6); Located in a mutational hot spot and/or critical and well-established functional domain (e.g., active site of an enzyme) without benign variation (PM1); Multiple lines of computational evidence support a deleterious effect on the gene or gene product (PP3).

OMIM
Classification: Pathogenic for INTELLECTUAL DEVELOPMENTAL DISORDER WITH MICROCEPHALY AND WITHOUT OCULAR MALFORMATIONS OR HYPOGONADOTROPIC HYPOGONADISM. Last evaluated: 2023-02-06. Review status: no assertion criteria provided. Collection method: literature only. Allele origin: germline. Not counted in ClinVar's aggregate classification.

Literature cited by the submitters: PubMed 33086258 (cited by SIB Swiss Institute of Bioinformatics and OMIM).

NM_003108.4(SOX11):c.146T>A (p.Ile49Asn)

Gene: SOX11 (SRY-box transcription factor 11; plus strand). Cytogenetic location: 2p25.2.
Variant type: single nucleotide variant.
Coding change: c.146T>A on transcript NM_003108.4 (MANE Select); coding-DNA position 146, T replaced by A.
Protein change: p.Ile49Asn; replaces isoleucine 49 with asparagine.
Molecular consequence: missense variant.
Genome position (GRCh38, 1-based): chr2:5,692,867, T>A. VCF-style: chr2-5692867-T-A. GRCh37 (hg19) VCF-style: chr2-5832999-T-A.
Other names: short protein forms I49N.
Identifiers: ClinVar variation 2443028 (VCV002443028.2), dbSNP rs2465087380, ClinGen allele CA345866038.